The following is an entry in ClinVar:

NM_005219.5(DIAPH1):c.3018+6C>T

Gene: DIAPH1 (diaphanous related formin 1; minus strand). Cytogenetic location: 5q31.3.
Variant type: single nucleotide variant.
Coding change: c.3018+6C>T on transcript NM_005219.5 (MANE Select); 6 bases into the intron after coding-DNA position 3018, C replaced by T.
Molecular consequence: intron variant.
Genome position (GRCh38, 1-based): chr5:141,528,696, G>A on the plus strand (C>T on the coding strand, the complement: DIAPH1 is on the minus strand). VCF-style: chr5-141528696-G-A. GRCh37 (hg19) VCF-style: chr5-140908263-G-A.
Other names: c.2991+6C>T (NM_001079812.3); c.3018+6C>T (NM_001314007.2).
Identifiers: ClinVar variation 1392134 (VCV001392134.6), dbSNP rs2154594997, ClinGen allele CA2573139217.

ClinVar aggregate classification (germline): Uncertain significance (1 of 4 stars; one submission).

Conditions:
Progressive microcephaly-seizures-cortical blindness-developmental delay syndrome. Also called: Seizures, cortical blindness, and microcephaly syndrome. Identifiers: Orphanet 477814, MedGen C5567650, MONDO:0014714, OMIM 616632.
Autosomal dominant nonsyndromic hearing loss 1. Also called: DEAFNESS, AUTOSOMAL DOMINANT 1, WITH OR WITHOUT THROMBOCYTOPENIA; KONIGSMARK SYNDROME. Identifiers: Orphanet 90635, MedGen C1852282, MONDO:0007424, OMIM 124900.

gnomAD v4.1: 6 of 1,614,166 alleles (0.00037%); highest among the groups gnomAD compares: Non-Finnish European, 0.00051%; no homozygotes.

Submission:

Labcorp Genetics (formerly Invitae), Labcorp
Classification: Uncertain significance for Progressive microcephaly-seizures-cortical blindness-developmental delay syndrome; Autosomal dominant nonsyndromic hearing loss 1. Last evaluated: 2022-06-29. Review status: criteria provided, single submitter. Criteria: Invitae Variant Classification Sherloc (09022015). Collection method: clinical testing. Allele origin: germline.
Comment: This variant has not been reported in the literature in individuals affected with DIAPH1-related conditions. This variant is not present in population databases (gnomAD no frequency). This sequence change falls in intron 22 of the DIAPH1 gene. It does not directly change the encoded amino acid sequence of the DIAPH1 protein. It affects a nucleotide within the consensus splice site. Variants that disrupt the consensus splice site are a relatively common cause of aberrant splicing (PMID: 17576681, 9536098). Algorithms developed to predict the effect of sequence changes on RNA splicing suggest that this variant may disrupt the consensus splice site. In summary, the available evidence is currently insufficient to determine the role of this variant in disease. Therefore, it has been classified as a Variant of Uncertain Significance.

Literature cited by the submitters: PubMed 17576681; PubMed 9536098.